The following is an entry in ClinVar:

NM_001282874.2(SMARCA1):c.1283C>T (p.Thr428Ile)

Gene: SMARCA1 (SNF2 related chromatin remodeling ATPase 1; minus strand). Cytogenetic location: Xq25.
Variant type: single nucleotide variant.
Coding change: c.1283C>T on transcript NM_001282874.2 (MANE Select); coding-DNA position 1283, C replaced by T.
Protein change: p.Thr428Ile; replaces threonine 428 with isoleucine.
Molecular consequence: missense variant.
Genome position (GRCh38, 1-based): chrX:129,498,066, G>A on the plus strand (C>T on the coding strand, the complement: SMARCA1 is on the minus strand). VCF-style: chrX-129498066-G-A. GRCh37 (hg19) VCF-style: chrX-128632043-G-A.
Other names: c.1283C>T, p.Thr428Ile (NM_001282875.2, NM_001378261.1, NM_001378262.1 and 3 more transcripts); short protein forms T428I.
Identifiers: ClinVar variation 4975868 (VCV004975868.1).

ClinVar aggregate classification (germline): Uncertain significance (1 of 4 stars; one submission).

gnomAD v4.1: 2 of 1,112,493 alleles (0.00018%); highest among the groups gnomAD compares: Non-Finnish European, 0.00025%; no homozygotes.

Submission:

GeneDx
Classification: Uncertain significance. Last evaluated: 2026-02-01. Review status: criteria provided, single submitter. Criteria: GeneDx Variant Classification Process June 2021. Collection method: clinical testing. Allele origin: germline.
Comment: Not observed at significant frequency in large population cohorts (gnomAD); In silico analysis supports that this missense variant has a deleterious effect on protein structure/function; Has not been previously published as pathogenic or benign to our knowledge